The following is an entry in ClinVar:

ClinVar aggregate classification (germline): Uncertain significance (1 of 4 stars; one submission).

Conditions:
Developmental and epileptic encephalopathy, 53. Also called: Epileptic encephalopathy, early infantile, 53. Identifiers: MedGen C4479313, MONDO:0033362, OMIM 617389.
Early-onset Parkinson disease 20. Also called: PARKINSON DISEASE 20, AUTOSOMAL RECESSIVE EARLY-ONSET. Identifiers: Orphanet 391411, MedGen C3809824, MONDO:0014233, OMIM 615530.

Allele frequency attached by ClinVar (database versions not stated): gnomAD 0.00001.
gnomAD v4.1: 2 of 1,530,896 alleles (0.00013%); highest among the groups gnomAD compares: Non-Finnish European, 0.00017%; no homozygotes.

Submission:

Labcorp Genetics (formerly Invitae), Labcorp
Classification: Uncertain significance for Developmental and epileptic encephalopathy, 53; Early-onset Parkinson disease 20. Last evaluated: 2023-08-30. Review status: criteria provided, single submitter. Criteria: Invitae Variant Classification Sherloc (09022015). Collection method: clinical testing. Allele origin: germline.
Comment: This sequence change replaces proline, which is neutral and non-polar, with arginine, which is basic and polar, at codon 1167 of the SYNJ1 protein (p.Pro1167Arg). This variant is present in population databases (no rsID available, gnomAD 0.007%). This variant has not been reported in the literature in individuals affected with SYNJ1-related conditions. ClinVar contains an entry for this variant (Variation ID: 2036372). Advanced modeling of protein sequence and biophysical properties (such as structural, functional, and spatial information, amino acid conservation, physicochemical variation, residue mobility, and thermodynamic stability) performed at Invitae indicates that this missense variant is not expected to disrupt SYNJ1 protein function. In summary, the available evidence is currently insufficient to determine the role of this variant in disease. Therefore, it has been classified as a Variant of Uncertain Significance.

NM_203446.3(SYNJ1):c.3383C>G (p.Pro1128Arg)

Gene: SYNJ1 (synaptojanin 1; minus strand). Cytogenetic location: 21q22.11.
Variant type: single nucleotide variant.
Coding change: c.3383C>G on transcript NM_203446.3 (MANE Select); coding-DNA position 3383, C replaced by G.
Protein change: p.Pro1128Arg; replaces proline 1128 with arginine.
Molecular consequence: missense variant.
Genome position (GRCh38, 1-based): chr21:32,645,654, G>C on the plus strand (C>G on the coding strand, the complement: SYNJ1 is on the minus strand). VCF-style: chr21-32645654-G-C. GRCh37 (hg19) VCF-style: chr21-34017964-G-C.
Other names: c.3383C>G, p.Pro1128Arg (NM_001160302.2); c.3368C>G, p.Pro1123Arg (NM_001160306.2); c.3500C>G, p.Pro1167Arg (NM_003895.4); short protein forms P1123R, P1167R, P1128R.
Identifiers: ClinVar variation 2036372 (VCV002036372.4), dbSNP rs780343466, ClinGen allele CA410068182.